The following is an entry in ClinVar:

ClinVar aggregate classification (germline): Uncertain significance. Review status: criteria provided, multiple submitters, no conflicts (2 of 4 stars). 2 submissions from 2 submitters: Uncertain significance (2). Last evaluated 2025-08-11.

Conditions:
Hereditary breast ovarian cancer syndrome. Also called: Hereditary breast and ovarian cancer; Hereditary breast and ovarian cancer syndrome (HBOC); BRCA1- and BRCA2-Associated Hereditary Breast and Ovarian Cancer; Breast and ovarian cancer; Hereditary breast and/or ovarian cancer syndrome; Hereditary breast and ovarian cancer syndrome. Identifiers: Orphanet 145, MedGen C0677776, MeSH D061325, MONDO:0003582. Disease mechanism: loss of function.

Submissions (2):

GeneDx
Classification: Uncertain significance. Last evaluated: 2025-08-11. Review status: criteria provided, single submitter. Criteria: GeneDx Variant Classification Process June 2021. Collection method: clinical testing. Allele origin: germline. Affected: yes.
Comment: Not observed at significant frequency in large population cohorts (gnomAD); In silico analysis suggests that this missense variant does not alter protein structure/function; Has not been previously published as pathogenic or benign to our knowledge

Labcorp Genetics (formerly Invitae), Labcorp
Classification: Uncertain significance for Hereditary breast ovarian cancer syndrome. Last evaluated: 2025-07-27. Review status: criteria provided, single submitter. Criteria: Invitae Variant Classification Sherloc (09022015). Collection method: clinical testing. Allele origin: germline.
Comment: This sequence change replaces asparagine, which is neutral and polar, with threonine, which is neutral and polar, at codon 2436 of the BRCA2 protein (p.Asn2436Thr). This variant is not present in population databases (gnomAD no frequency). This variant has not been reported in the literature in individuals affected with BRCA2-related conditions. Invitae Evidence Modeling of protein sequence and biophysical properties (such as structural, functional, and spatial information, amino acid conservation, physicochemical variation, residue mobility, and thermodynamic stability) indicates that this missense variant is not expected to disrupt BRCA2 protein function with a negative predictive value of 95%. In summary, the available evidence is currently insufficient to determine the role of this variant in disease. Therefore, it has been classified as a Variant of Uncertain Significance.

NM_000059.4(BRCA2):c.7307A>C (p.Asn2436Thr)

Gene: BRCA2 (BRCA2 DNA repair associated; plus strand). Cytogenetic location: 13q13.1.
Variant type: single nucleotide variant.
Coding change: c.7307A>C on transcript NM_000059.4 (MANE Select); coding-DNA position 7307, A replaced by C.
Protein change: p.Asn2436Thr; replaces asparagine 2436 with threonine.
Molecular consequence: missense variant. On other transcripts: non-coding transcript variant (1).
Genome position (GRCh38, 1-based): chr13:32,355,160, A>C. VCF-style: chr13-32355160-A-C. GRCh37 (hg19) VCF-style: chr13-32929297-A-C.
Other names: c.7211A>C, p.Asn2404Thr (NM_001406719.1); c.7307A>C, p.Asn2436Thr (NM_001406720.1, NM_001432077.1); c.2375A>C, p.Asn792Thr (NM_001406721.1); c.890A>C, p.Asn297Thr (NM_001406722.1); short protein forms N2404T, N2436T, N792T, N297T.
Identifiers: ClinVar variation 4795615 (VCV004795615.2).